The following is an entry in ClinVar:

ClinVar aggregate classification (germline): Uncertain significance (1 of 4 stars; one submission).

gnomAD v4.1: 2 of 1,607,962 alleles (0.00012%); highest among the groups gnomAD compares: African/African-American, 0.0027%; no homozygotes.

Submission:

Labcorp Genetics (formerly Invitae), Labcorp
Classification: Uncertain significance. Last evaluated: 2025-11-21. Review status: criteria provided, single submitter. Criteria: Invitae Variant Classification Sherloc (09022015). Collection method: clinical testing. Allele origin: germline.
Comment: This sequence change replaces proline, which is neutral and non-polar, with serine, which is neutral and polar, at codon 1107 of the AUTS2 protein (p.Pro1107Ser). This variant is not present in population databases (gnomAD no frequency). This variant has not been reported in the literature in individuals affected with AUTS2-related conditions. Invitae Evidence Modeling of protein sequence and biophysical properties (such as structural, functional, and spatial information, amino acid conservation, physicochemical variation, residue mobility, and thermodynamic stability) indicates that this missense variant is not expected to disrupt AUTS2 protein function with a negative predictive value of 80%. In summary, the available evidence is currently insufficient to determine the role of this variant in disease. Therefore, it has been classified as a Variant of Uncertain Significance.

NM_015570.4(AUTS2):c.3319C>T (p.Pro1107Ser)

Gene: AUTS2 (activator of transcription and developmental regulator AUTS2; plus strand). Cytogenetic location: 7q11.22.
Variant type: single nucleotide variant.
Coding change: c.3319C>T on transcript NM_015570.4 (MANE Select); coding-DNA position 3319, C replaced by T.
Protein change: p.Pro1107Ser; replaces proline 1107 with serine.
Molecular consequence: missense variant.
Genome position (GRCh38, 1-based): chr7:70,790,535, C>T. VCF-style: chr7-70790535-C-T. GRCh37 (hg19) VCF-style: chr7-70255521-C-T.
Other names: c.3247C>T, p.Pro1083Ser (NM_001127231.3); short protein forms P1083S, P1107S.
Identifiers: ClinVar variation 4731457 (VCV004731457.1).